The following is an entry in ClinVar:

NM_013247.5(HTRA2):c.711G>C (p.Lys237Asn)

Gene: HTRA2 (HtrA serine peptidase 2; plus strand). Cytogenetic location: 2p13.1.
Variant type: single nucleotide variant.
Coding change: c.711G>C on transcript NM_013247.5 (MANE Select); coding-DNA position 711, G replaced by C.
Protein change: p.Lys237Asn; replaces lysine 237 with asparagine.
Molecular consequence: missense variant. On other transcripts: non-coding transcript variant (4).
Genome position (GRCh38, 1-based): chr2:74,530,821, G>C. VCF-style: chr2-74530821-G-C. GRCh37 (hg19) VCF-style: chr2-74757948-G-C.
Other names: c.711G>C, p.Lys237Asn (NM_001321727.1, NM_001321728.1, NM_145074.2); short protein forms K237N.
Identifiers: ClinVar variation 2799594 (VCV002799594.3), dbSNP rs773298397, ClinGen allele CA1728412.

ClinVar aggregate classification (germline): Uncertain significance (1 of 4 stars; one submission).

Allele frequency attached by ClinVar (database versions not stated): TOPMed below 0.00001.

Submission:

Labcorp Genetics (formerly Invitae), Labcorp
Classification: Uncertain significance. Last evaluated: 2025-07-17. Review status: criteria provided, single submitter. Criteria: Invitae Variant Classification Sherloc (09022015). Collection method: clinical testing. Allele origin: germline.
Comment: This sequence change replaces lysine, which is basic and polar, with asparagine, which is neutral and polar, at codon 237 of the HTRA2 protein (p.Lys237Asn). This variant also falls at the last nucleotide of exon 2, which is part of the consensus splice site for this exon. This variant is not present in population databases (gnomAD no frequency). This variant has not been reported in the literature in individuals affected with HTRA2-related conditions. ClinVar contains an entry for this variant (Variation ID: 2799594). An algorithm developed to predict the effect of missense changes on protein structure and function (PolyPhen-2) suggests that this variant is likely to be disruptive. Variants that disrupt the consensus splice site are a relatively common cause of aberrant splicing (PMID: 17576681, 9536098). Algorithms developed to predict the effect of sequence changes on RNA splicing suggest that this variant may disrupt the consensus splice site. In summary, the available evidence is currently insufficient to determine the role of this variant in disease. Therefore, it has been classified as a Variant of Uncertain Significance.

Literature cited by the submitters: PubMed 17576681; PubMed 9536098.